The following is an entry in ClinVar:

ClinVar aggregate classification (germline): Benign. Review status: criteria provided, multiple submitters, no conflicts (2 of 4 stars). 2 submissions from 2 submitters: Benign (2). Last evaluated 2018-06-19.

Allele frequency attached by ClinVar (database versions not stated): gnomAD exomes 0.01333; ExAC 0.01527; gnomAD 0.05014 and 0.05398; 1000 Genomes Project 0.05032; 1000 Genomes Project 30x 0.05418; TOPMed 0.05485; ESP Exome Variant Server 0.05488.
gnomAD v4.1: 16,042 of 1,605,470 alleles (1%); highest among the groups gnomAD compares: African/African-American, 17%; 1,111 homozygotes.

Submissions (2):

GeneDx
Classification: Benign. Last evaluated: 2018-06-19. Review status: criteria provided, single submitter. Criteria: GeneDx Variant Classification (06012015). Collection method: clinical testing. Allele origin: germline. Affected: yes.
Comment: This variant is considered likely benign or benign based on one or more of the following criteria: it is a conservative change, it occurs at a poorly conserved position in the protein, it is predicted to be benign by multiple in silico algorithms, and/or has population frequency not consistent with disease.

Breakthrough Genomics
Classification: Benign. Review status: criteria provided, single submitter. Criteria: ACMG Guidelines, 2015. Collection method: not provided. Allele origin: germline. Inheritance: Autosomal recessive inheritance. Affected: yes.

NM_198576.4(AGRN):c.5141+28G>T

Gene: AGRN (agrin; plus strand). Cytogenetic location: 1p36.33.
Variant type: single nucleotide variant.
Coding change: c.5141+28G>T on transcript NM_198576.4 (MANE Select); 28 bases into the intron after coding-DNA position 5141, G replaced by T.
Molecular consequence: intron variant.
Genome position (GRCh38, 1-based): chr1:1,050,619, G>T. VCF-style: chr1-1050619-G-T. GRCh37 (hg19) VCF-style: chr1-985999-G-T.
Other names: c.5141+28G>T (NM_001305275.2); c.4826+28G>T (NM_001364727.2).
Identifiers: ClinVar variation 678953 (VCV000678953.2), dbSNP rs111726760, ClinGen allele CA509867.